The following is an entry in ClinVar:

ClinVar aggregate classification (germline): Likely pathogenic (1 of 4 stars; one submission).

Conditions:
Hypertrophic cardiomyopathy. Also called: HYPERTROPHIC MYOCARDIOPATHY. Identifiers: Orphanet 217569, MedGen C0007194, MeSH D002312, MONDO:0005045, HP:0001639.

Submission:

Labcorp Genetics (formerly Invitae), Labcorp
Classification: Likely pathogenic for Hypertrophic cardiomyopathy. Last evaluated: 2022-11-08. Review status: criteria provided, single submitter. Criteria: Invitae Variant Classification Sherloc (09022015). Collection method: clinical testing. Allele origin: germline.
Comment: This variant results in the deletion of part of exon 16 (c.1449_1457+4del) of the MYBPC3 gene. It is expected to disrupt RNA splicing. Variants that disrupt the donor or acceptor splice site typically lead to a loss of protein function (PMID: 16199547), and loss-of-function variants in MYBPC3 are known to be pathogenic (PMID: 19574547). This variant is not present in population databases (gnomAD no frequency). This variant has not been reported in the literature in individuals affected with MYBPC3-related conditions. ClinVar contains an entry for this variant (Variation ID: 1066750). Algorithms developed to predict the effect of sequence changes on RNA splicing suggest that this variant may disrupt the consensus splice site. In summary, the currently available evidence indicates that the variant is pathogenic, but additional data are needed to prove that conclusively. Therefore, this variant has been classified as Likely Pathogenic.

Literature cited by the submitters: PubMed 16199547; PubMed 19574547.

NM_000256.3(MYBPC3):c.1449_1457+4del

Gene: MYBPC3 (myosin binding protein C3; minus strand). Cytogenetic location: 11p11.2.
Variant type: Deletion.
Coding change: c.1449_1457+4del on transcript NM_000256.3 (MANE Select); coding-DNA position 1449 through 4 bases into the intron after coding-DNA position 1457, 13 bases deleted (AGTCAAATGGTGA).
Molecular consequence: splice donor variant.
Genome position (GRCh38, 1-based): chr11:47,342,826-47,342,838, TCACCATTTGACT deleted on the plus strand (AGTCAAATGGTGA on the coding strand, the reverse complement: MYBPC3 is on the minus strand); deleting any 13 consecutive bases within chr11:47,342,826-47,342,839 gives the same sequence; the c. name uses the placement nearest the transcript's 3' end. VCF-style (leftmost placement, unchanged base first): chr11-47342825-CTCACCATTTGACT-C. GRCh37 (hg19) VCF-style: chr11-47364376-CTCACCATTTGACT-C.
Identifiers: ClinVar variation 1066750 (VCV001066750.7), dbSNP rs2142861325, ClinGen allele CA2499220973.